The following is an entry in ClinVar:

NM_000540.3(RYR1):c.2232C>A (p.Ser744Arg)

Gene: RYR1 (ryanodine receptor 1; plus strand). Cytogenetic location: 19q13.2.
Variant type: single nucleotide variant.
Coding change: c.2232C>A on transcript NM_000540.3 (MANE Select); coding-DNA position 2232, C replaced by A.
Protein change: p.Ser744Arg; replaces serine 744 with arginine.
Molecular consequence: missense variant.
Genome position (GRCh38, 1-based): chr19:38,459,210, C>A. VCF-style: chr19-38459210-C-A. GRCh37 (hg19) VCF-style: chr19-38949850-C-A.
Other names: c.2232C>A, p.Ser744Arg (NM_001042723.2); short protein forms S744R.
Identifiers: ClinVar variation 2135905 (VCV002135905.4), dbSNP rs2514048719, ClinGen allele CA405627756.
Genomic context (GRCh38, chr19:38,459,210, plus strand): 5'-CGTGGCACGCCCAGTGACTTCCCCAGGGCAGCACCTCCTGGCCCCTGAAGACGTGATCAG[C>A]TGCTGCCTGGACCTCAGCGTGCCGTCCATCTCCTTCCGCATCAACGGCTGCCCCGTGCAG-3'
Protein context (NP_000531.2, residues 734-754): QHLLAPEDVI[Ser744Arg]CCLDLSVPSI

ClinVar aggregate classification (germline): Uncertain significance (1 of 4 stars; one submission).

Conditions:
RYR1-related disorder. Also called: RYR1-related condition; RYR1-related disorders. Identifiers: MedGen CN239331.

Submission:

Labcorp Genetics (formerly Invitae), Labcorp
Classification: Uncertain significance for RYR1-related disorder. Last evaluated: 2022-05-09. Review status: criteria provided, single submitter. Criteria: Invitae Variant Classification Sherloc (09022015). Collection method: clinical testing. Allele origin: germline.
Comment: In summary, the available evidence is currently insufficient to determine the role of this variant in disease. Therefore, it has been classified as a Variant of Uncertain Significance. Advanced modeling of protein sequence and biophysical properties (such as structural, functional, and spatial information, amino acid conservation, physicochemical variation, residue mobility, and thermodynamic stability) performed at Invitae indicates that this missense variant is expected to disrupt RYR1 protein function. This variant has not been reported in the literature in individuals affected with RYR1-related conditions. This variant is not present in population databases (gnomAD no frequency). This sequence change replaces serine, which is neutral and polar, with arginine, which is basic and polar, at codon 744 of the RYR1 protein (p.Ser744Arg).